The following is an entry in ClinVar:

NM_001267550.2(TTN):c.94522+16T>G

Genes: TTN (titin; minus strand), TTN-AS1 (TTN antisense RNA 1; plus strand). Cytogenetic location: 2q31.2.
Variant type: single nucleotide variant.
Coding change: c.94522+16T>G on transcript NM_001267550.2 (MANE Select); 16 bases into the intron after coding-DNA position 94522, T replaced by G.
Molecular consequence: intron variant.
Genome position (GRCh38, 1-based): chr2:178,546,987, A>C on the plus strand (T>G on the coding strand, the complement: TTN is on the minus strand). VCF-style: chr2-178546987-A-C. GRCh37 (hg19) VCF-style: chr2-179411714-A-C.
Other names: c.67327+16T>G (NM_003319.4); c.67903+16T>G (NM_133437.4); c.67702+16T>G (NM_133432.3); c.86818+16T>G (NM_133378.4); c.89599+16T>G (NM_001256850.1).
Identifiers: ClinVar variation 511504 (VCV000511504.1), dbSNP rs1553524180, ClinGen allele CA658795981.
Genomic context (GRCh38, chr2:178,546,987, plus strand): 5'-GGTTAAAATATACCACTCTGAGTTCTACTAGAATCAGTAATAATAAACAAATATGCCCTT[A>C]AATTGTGATACATACCAACTGGATTTTGAGCCATTATAGGTCTTGAAGCTTCGCTGGCCT-3'

ClinVar aggregate classification (germline): Likely benign (1 of 4 stars; one submission).

Submission:

GeneDx
Classification: Likely benign. Last evaluated: 2017-08-10. Review status: criteria provided, single submitter. Criteria: GeneDx Variant Classification (06012015). Collection method: clinical testing. Allele origin: germline. Affected: yes.
Comment: This variant is considered likely benign or benign based on one or more of the following criteria: it is a conservative change, it occurs at a poorly conserved position in the protein, it is predicted to be benign by multiple in silico algorithms, and/or has population frequency not consistent with disease.